The following is an entry in ClinVar:

ClinVar aggregate classification (germline): Uncertain significance (1 of 4 stars; one submission).

Conditions:
Periodic fever-infantile enterocolitis-autoinflammatory syndrome. Also called: Autoinflammation with infantile enterocolitis. Identifiers: Orphanet 436166, MedGen C4015067, MONDO:0014472, OMIM 616050.
Familial cold autoinflammatory syndrome 4 (FCAS4). Identifiers: Orphanet 47045, Orphanet 576349, MedGen C4015276, MONDO:0014498, OMIM 616115.

Submission:

Labcorp Genetics (formerly Invitae), Labcorp
Classification: Uncertain significance for Periodic fever-infantile enterocolitis-autoinflammatory syndrome; Familial cold autoinflammatory syndrome 4. Last evaluated: 2025-08-03. Review status: criteria provided, single submitter. Criteria: Invitae Variant Classification Sherloc (09022015). Collection method: clinical testing. Allele origin: germline.
Comment: This sequence change replaces glutamic acid, which is acidic and polar, with lysine, which is basic and polar, at codon 879 of the NLRC4 protein (p.Glu879Lys). This variant is not present in population databases (gnomAD no frequency). This variant has not been reported in the literature in individuals affected with NLRC4-related conditions. Invitae Evidence Modeling of protein sequence and biophysical properties (such as structural, functional, and spatial information, amino acid conservation, physicochemical variation, residue mobility, and thermodynamic stability) indicates that this missense variant is not expected to disrupt NLRC4 protein function with a negative predictive value of 80%. In summary, the available evidence is currently insufficient to determine the role of this variant in disease. Therefore, it has been classified as a Variant of Uncertain Significance.

NM_001199138.2(NLRC4):c.2635G>A (p.Glu879Lys)

Gene: NLRC4 (NLR family CARD domain containing 4; minus strand). Cytogenetic location: 2p22.3.
Variant type: single nucleotide variant.
Coding change: c.2635G>A on transcript NM_001199138.2 (MANE Select); coding-DNA position 2635, G replaced by A.
Protein change: p.Glu879Lys; replaces glutamic acid 879 with lysine.
Molecular consequence: missense variant.
Genome position (GRCh38, 1-based): chr2:32,235,548, C>T on the plus strand (G>A on the coding strand, the complement: NLRC4 is on the minus strand). VCF-style: chr2-32235548-C-T. GRCh37 (hg19) VCF-style: chr2-32460617-C-T.
Other names: c.2635G>A, p.Glu879Lys (NM_001199139.2, NM_021209.5); c.640G>A, p.Glu214Lys (NM_001302504.2); short protein forms E214K, E879K.
Identifiers: ClinVar variation 4782638 (VCV004782638.1).